The following is an entry in ClinVar:

ClinVar aggregate classification (germline): Uncertain significance (1 of 4 stars; one submission).

Allele frequency attached by ClinVar (database versions not stated): gnomAD 0.00001; gnomAD exomes 0.00001; TOPMed 0.00001.

Submission:

Labcorp Genetics (formerly Invitae), Labcorp
Classification: Uncertain significance. Last evaluated: 2022-06-26. Review status: criteria provided, single submitter. Criteria: Invitae Variant Classification Sherloc (09022015). Collection method: clinical testing. Allele origin: germline.
Comment: In summary, the available evidence is currently insufficient to determine the role of this variant in disease. Therefore, it has been classified as a Variant of Uncertain Significance. Algorithms developed to predict the effect of missense changes on protein structure and function are either unavailable or do not agree on the potential impact of this missense change (SIFT: "Not Available"; PolyPhen-2: "Possibly Damaging"; Align-GVGD: "Not Available"). This variant has not been reported in the literature in individuals affected with USH1G-related conditions. This variant is present in population databases (no rsID available, gnomAD 0.0009%). This sequence change replaces proline, which is neutral and non-polar, with histidine, which is basic and polar, at codon 129 of the USH1G protein (p.Pro129His).

NM_173477.5(USH1G):c.386C>A (p.Pro129His)

Gene: USH1G (USH1 protein network component sans; minus strand). Cytogenetic location: 17q25.1.
Variant type: single nucleotide variant.
Coding change: c.386C>A on transcript NM_173477.5 (MANE Select); coding-DNA position 386, C replaced by A.
Protein change: p.Pro129His; replaces proline 129 with histidine.
Molecular consequence: missense variant.
Genome position (GRCh38, 1-based): chr17:74,920,450, G>T on the plus strand (C>A on the coding strand, the complement: USH1G is on the minus strand). VCF-style: chr17-74920450-G-T. GRCh37 (hg19) VCF-style: chr17-72916545-G-T.
Other names: c.77C>A, p.Pro26His (NM_001282489.3); short protein forms P129H, P26H.
Identifiers: ClinVar variation 1929320 (VCV001929320.5), dbSNP rs1218516398, ClinGen allele CA400965613.
Genomic context (GRCh38, chr17:74,920,450, plus strand): 5'-TCGCGGATGCGCCGCTCCGCCTCGCGGAAGGCCTTGTCCTTCAGCTTACCCACCAGCTTG[G>T]GGTTGAGGCTGCTCTGCTTGGCCGCGATGGAGTCCAGGTAGCGCACGCATTCCATGTGGC-3'
Protein context (NP_775748.2, residues 119-139): SIAAKQSSLN[Pro129His]KLVGKLKDKA